The following is an entry in ClinVar:

NM_020655.4(JPH3):c.821C>T (p.Ala274Val)

Gene: JPH3 (junctophilin 3; plus strand). Cytogenetic location: 16q24.2.
Variant type: single nucleotide variant.
Coding change: c.821C>T on transcript NM_020655.4 (MANE Select); coding-DNA position 821, C replaced by T.
Protein change: p.Ala274Val; replaces alanine 274 with valine.
Molecular consequence: missense variant. On other transcripts: non-coding transcript variant (1).
Genome position (GRCh38, 1-based): chr16:87,644,696, C>T. VCF-style: chr16-87644696-C-T. GRCh37 (hg19) VCF-style: chr16-87678302-C-T.
Other names: short protein forms A274V.
Identifiers: ClinVar variation 3037167 (VCV003037167.3), dbSNP rs144403955, ClinGen allele CA8220854.

ClinVar aggregate classification (germline): Likely benign. Review status: criteria provided, single submitter (1 of 4 stars). 2 submissions from 2 submitters: Likely benign (1). 1 of the submissions does not count toward it. Last evaluated 2024-11-27.

Conditions:
JPH3-related disorder. Also called: JPH3-related condition.

Allele frequency attached by ClinVar (database versions not stated): 1000 Genomes Project 0.00080; gnomAD 0.00086; TOPMed 0.00099; 1000 Genomes Project 30x 0.00109; ExAC 0.00110; ESP Exome Variant Server 0.00115; gnomAD exomes 0.00130.
gnomAD v4.1: 2,040 of 1,612,054 alleles (0.13%); highest among the groups gnomAD compares: Middle Eastern, 0.48%; 8 homozygotes.

Submissions (2):

Blueprint Genetics
Classification: Likely benign. Last evaluated: 2024-11-27. Review status: criteria provided, single submitter. Criteria: ACMG Guidelines, 2015. Collection method: clinical testing. Allele origin: germline.

PreventionGenetics, part of Exact Sciences
Classification: Likely benign for JPH3-related condition. Last evaluated: 2019-09-17. Review status: no assertion criteria provided. Collection method: clinical testing. Allele origin: germline. Not counted in ClinVar's aggregate classification.
Comment: This variant is classified as likely benign based on ACMG/AMP sequence variant interpretation guidelines (Richards et al. 2015 PMID: 25741868, with internal and published modifications).